The following is an entry in ClinVar:

ClinVar aggregate classification (germline): Benign/Likely benign. Review status: criteria provided, multiple submitters, no conflicts (2 of 4 stars). 8 submissions from 8 submitters: Benign (4); Likely benign (3). 1 of the submissions does not count toward it. Last evaluated 2026-01-19.

Conditions:
NGF-related disorder. Also called: NGF-related condition.
Congenital sensory neuropathy with selective loss of small myelinated fibers (HSAN5). Also called: HSAN Type V. Identifiers: Orphanet 64752, MedGen C0020075, MONDO:0012092, OMIM 608654.

Allele frequency attached by ClinVar (database versions not stated): gnomAD exomes 0.00063 and 0.00153; ExAC 0.00204; ESP Exome Variant Server 0.00623; 1000 Genomes Project 30x 0.00671; 1000 Genomes Project 0.00679; gnomAD 0.00681 and 0.00727; TOPMed 0.00765.
gnomAD v4.1: 2,016 of 1,614,204 alleles (0.12%); highest among the groups gnomAD compares: African/African-American, 2.3%; 20 homozygotes.

Submissions (8):

Labcorp Genetics (formerly Invitae), Labcorp
Classification: Benign for Congenital sensory neuropathy with selective loss of small myelinated fibers. Last evaluated: 2026-01-19. Review status: criteria provided, single submitter. Criteria: Invitae Variant Classification Sherloc (09022015). Collection method: clinical testing. Allele origin: germline.

ARUP Laboratories, Molecular Genetics and Genomics, ARUP Laboratories
Classification: Likely benign for Congenital sensory neuropathy with selective loss of small myelinated fibers. Last evaluated: 2024-03-08. Review status: criteria provided, single submitter. Criteria: ARUP Molecular Germline Variant Investigation Process 2024. Collection method: clinical testing. Allele origin: germline.

Genome-Nilou Lab
Classification: Likely benign for Congenital sensory neuropathy with selective loss of small myelinated fibers. Last evaluated: 2023-04-11. Review status: criteria provided, single submitter. Criteria: ACMG Guidelines, 2015. Collection method: clinical testing. Allele origin: germline. Affected: no.

Fulgent Genetics
Classification: Likely benign for Congenital sensory neuropathy with selective loss of small myelinated fibers. Last evaluated: 2021-09-16. Review status: criteria provided, single submitter. Criteria: ACMG Guidelines, 2015. Collection method: clinical testing. Allele origin: unknown.

Illumina Laboratory Services, Illumina
Classification: Benign for Congenital sensory neuropathy with selective loss of small myelinated fibers. Last evaluated: 2017-04-27. Review status: criteria provided, single submitter. Criteria: ICSL Variant Classification Criteria 13 December 2019. Collection method: clinical testing. Allele origin: germline.
Comment: This variant was observed as part of a predisposition screen in an ostensibly healthy population. A literature search was performed for the gene, cDNA change, and amino acid change (where applicable). Publications were found based on this search. The evidence from the literature, in combination with allele frequency data from public databases where available, was sufficient to rule this variant out of causing disease. Therefore, this variant is classified as benign.

GeneDx
Classification: Benign. Last evaluated: 2017-01-26. Review status: criteria provided, single submitter. Criteria: GeneDx Variant Classification (06012015). Collection method: clinical testing. Allele origin: germline. Affected: yes.
Comment: This variant is considered likely benign or benign based on one or more of the following criteria: it is a conservative change, it occurs at a poorly conserved position in the protein, it is predicted to be benign by multiple in silico algorithms, and/or has population frequency not consistent with disease.

Breakthrough Genomics
Classification: Benign. Review status: criteria provided, single submitter. Criteria: ACMG Guidelines, 2015. Collection method: not provided. Allele origin: germline. Inheritance: Autosomal recessive inheritance. Affected: yes.

PreventionGenetics, part of Exact Sciences
Classification: Benign for NGF-related condition. Last evaluated: 2024-03-27. Review status: no assertion criteria provided. Collection method: clinical testing. Allele origin: germline. Not counted in ClinVar's aggregate classification.
Comment: This variant is classified as benign based on ACMG/AMP sequence variant interpretation guidelines (Richards et al. 2015 PMID: 25741868, with internal and published modifications).

Literature cited by the submitters: PubMed 26215504 (cited by Illumina Laboratory Services, Illumina); PubMed 22330829 (cited by Illumina Laboratory Services, Illumina); PubMed 21358750 (cited by Illumina Laboratory Services, Illumina).

NM_002506.3(NGF):c.214G>A (p.Val72Met)

Genes: NGF (nerve growth factor; minus strand), NGF-AS1 (NGF antisense RNA 1; plus strand). Cytogenetic location: 1p13.2.
Variant type: single nucleotide variant.
Coding change: c.214G>A on transcript NM_002506.3 (MANE Select); coding-DNA position 214, G replaced by A.
Protein change: p.Val72Met; replaces valine 72 with methionine.
Molecular consequence: missense variant.
Genome position (GRCh38, 1-based): chr1:115,286,582, C>T on the plus strand (G>A on the coding strand, the complement: NGF is on the minus strand). VCF-style: chr1-115286582-C-T. GRCh37 (hg19) VCF-style: chr1-115829203-C-T.
Other names: short protein forms V72M.
Identifiers: ClinVar variation 456629 (VCV000456629.20), dbSNP rs11466110, ClinGen allele CA1023024.